The following is an entry in ClinVar:

NM_000138.5(FBN1):c.538+2274G>T

Gene: FBN1 (fibrillin 1; minus strand). Cytogenetic location: 15q21.1.
Variant type: single nucleotide variant.
Coding change: c.538+2274G>T on transcript NM_000138.5 (MANE Select); 2274 bases into the intron after coding-DNA position 538, G replaced by T.
Molecular consequence: intron variant.
Genome position (GRCh38, 1-based): chr15:48,594,009, C>A on the plus strand (G>T on the coding strand, the complement: FBN1 is on the minus strand). VCF-style: chr15-48594009-C-A. GRCh37 (hg19) VCF-style: chr15-48886206-C-A.
Other names: c.538+2274G>T (NM_001406716.1, NM_001406717.1).
Identifiers: ClinVar variation 4876709 (VCV004876709.1).

ClinVar aggregate classification (germline): Pathogenic (1 of 4 stars; one submission).

Conditions:
Marfan syndrome (MFS). Also called: FBN1-Related Marfan Syndrome; MARFAN SYNDROME, TYPE I; Marfan syndrome type 1; Marfan's syndrome; Marfan syndrome, classic. Identifiers: Orphanet 284963, Orphanet 558, MedGen C0024796, MONDO:0007947, OMIM 154700.

Submission:

Laboratory of Functional Genomics, Research Centre for Medical Genetics
Classification: Pathogenic for Marfan syndrome. Last evaluated: 2026-06-17. Review status: criteria provided, single submitter. Criteria: ACMG Guidelines, 2015. Collection method: clinical testing. Allele origin: germline. Inheritance: Autosomal dominant inheritance. Affected: yes. Observed: 1 variant allele, 1 heterozygote.
Comment: The variant as de novo and not present in gnomAD v4.1.1. SpliceAI predicts activation of a cryptic donor splice site (DG = 0.8; AG = 0.57), resulting in a 156 bp pseudoexon. Targeted RNA sequencing on patient fibroblasts revealed inclusion of a 156 bp pseudoexon, introducing a premature termination codon (p.(Asp180GlufsTer17)). As expected for a transcript containing a premature termination codon, this allele is subject to nonsense‑mediated decay, which was confirmed by increased expression of the variant allele following cycloheximide treatment.